The following is an entry in ClinVar:

ClinVar aggregate classification (germline): Pathogenic (1 of 4 stars; one submission).

Submission:

Labcorp Genetics (formerly Invitae), Labcorp
Classification: Pathogenic. Last evaluated: 2024-10-13. Review status: criteria provided, single submitter. Criteria: Invitae Variant Classification Sherloc (09022015). Collection method: clinical testing. Allele origin: germline.
Comment: This sequence change affects an acceptor splice site in intron 5 of the RS1 gene. While this variant is not anticipated to result in nonsense mediated decay, it likely alters RNA splicing and results in a disrupted protein product. This variant is not present in population databases (gnomAD no frequency). Disruption of this splice site has been observed in individual(s) with retinoschisis (PMID: 9618178, 30652005, 31456290). Variants that disrupt the consensus splice site are a relatively common cause of aberrant splicing (PMID: 17576681, 9536098). Algorithms developed to predict the effect of sequence changes on RNA splicing suggest that this variant may disrupt the consensus splice site. For these reasons, this variant has been classified as Pathogenic.

Literature cited by the submitters: PubMed 9618178; PubMed 30652005; PubMed 31456290; PubMed 17576681; PubMed 9536098.

NM_000330.4(RS1):c.523-1G>A

Genes: CDKL5 (cyclin dependent kinase like 5; plus strand), RS1 (retinoschisin 1; minus strand). Cytogenetic location: Xp22.13.
Variant type: single nucleotide variant.
Coding change: c.523-1G>A on transcript NM_000330.4 (MANE Select); the canonical splice acceptor site of the intron before coding-DNA position 523, G replaced by A.
Molecular consequence: splice acceptor variant. On other transcripts: intron variant (2).
Genome position (GRCh38, 1-based): chrX:18,642,157, C>T on the plus strand (G>A on the coding strand, the complement: RS1 is on the minus strand). VCF-style: chrX-18642157-C-T. GRCh37 (hg19) VCF-style: chrX-18660277-C-T.
Other names: c.2714-3850C>T (NM_003159.3, NM_001037343.2).
Identifiers: ClinVar variation 3706413 (VCV003706413.2).